The following is an entry in ClinVar:

ClinVar aggregate classification (germline): Uncertain significance (1 of 4 stars; one submission).

Allele frequency attached by ClinVar (database versions not stated): TOPMed below 0.00001; gnomAD 0.00001; gnomAD exomes 0.00001.
gnomAD v4.1: 7 of 1,613,864 alleles (0.00043%); highest among the groups gnomAD compares: African/African-American, 0.0013%; no homozygotes.

Submission:

Labcorp Genetics (formerly Invitae), Labcorp
Classification: Uncertain significance. Last evaluated: 2023-07-07. Review status: criteria provided, single submitter. Criteria: Invitae Variant Classification Sherloc (09022015). Collection method: clinical testing. Allele origin: germline.
Comment: This sequence change replaces arginine, which is basic and polar, with glutamine, which is neutral and polar, at codon 150 of the GHSR protein (p.Arg150Gln). This variant is present in population databases (no rsID available, gnomAD 0.01%). This variant has not been reported in the literature in individuals affected with GHSR-related conditions. Advanced modeling of protein sequence and biophysical properties (such as structural, functional, and spatial information, amino acid conservation, physicochemical variation, residue mobility, and thermodynamic stability) performed at Invitae indicates that this missense variant is not expected to disrupt GHSR protein function. In summary, the available evidence is currently insufficient to determine the role of this variant in disease. Therefore, it has been classified as a Variant of Uncertain Significance.

NM_198407.2(GHSR):c.449G>A (p.Arg150Gln)

Gene: GHSR (growth hormone secretagogue receptor; minus strand). Cytogenetic location: 3q26.31.
Variant type: single nucleotide variant.
Coding change: c.449G>A on transcript NM_198407.2 (MANE Select); coding-DNA position 449, G replaced by A.
Protein change: p.Arg150Gln; replaces arginine 150 with glutamine.
Molecular consequence: missense variant.
Genome position (GRCh38, 1-based): chr3:172,447,965, C>T on the plus strand (G>A on the coding strand, the complement: GHSR is on the minus strand). VCF-style: chr3-172447965-C-T. GRCh37 (hg19) VCF-style: chr3-172165755-C-T.
Other names: c.449G>A, p.Arg150Gln (NM_004122.2); short protein forms R150Q.
Identifiers: ClinVar variation 2874418 (VCV002874418.3), dbSNP rs1278713002, ClinGen allele CA355514451.